The following is an entry in ClinVar:

NM_003803.4(MYOM1):c.4357A>T (p.Met1453Leu)

Gene: MYOM1 (myomesin 1; minus strand). Cytogenetic location: 18p11.31.
Variant type: single nucleotide variant.
Coding change: c.4357A>T on transcript NM_003803.4 (MANE Select); coding-DNA position 4357, A replaced by T.
Protein change: p.Met1453Leu; replaces methionine 1453 with leucine.
Molecular consequence: missense variant.
Genome position (GRCh38, 1-based): chr18:3,084,010, T>A on the plus strand (A>T on the coding strand, the complement: MYOM1 is on the minus strand). VCF-style: chr18-3084010-T-A. GRCh37 (hg19) VCF-style: chr18-3084008-T-A.
Other names: c.4069A>T, p.Met1357Leu (NM_019856.2); short protein forms M1453L, M1357L.
Identifiers: ClinVar variation 229026 (VCV000229026.15), dbSNP rs181642354, ClinGen allele CA8873971.
Genomic context (GRCh38, chr18:3,084,010, plus strand): 5'-ATCATAAAGCATTGTTGTGGTGCGAAATGTTTGACTCACCTATTTTTTTGCATACTTCCA[T>A]CATCAGTTCCTTAAAGGCTGTGGAGAGAGATTCAGAGCCAAAACTTTAGCATAAAAATTC-3'
Protein context (NP_003794.3, residues 1443-1463): LVDEAFKELM[Met1453Leu]EVCKKIALSA

ClinVar aggregate classification (germline): Uncertain significance. Review status: criteria provided, multiple submitters, no conflicts (2 of 4 stars). 3 submissions from 3 submitters: Uncertain significance (3). Last evaluated 2025-12-21.

Conditions:
Hypertrophic cardiomyopathy. Also called: HYPERTROPHIC MYOCARDIOPATHY. Identifiers: Orphanet 217569, MedGen C0007194, MeSH D002312, MONDO:0005045, HP:0001639.

Allele frequency attached by ClinVar (database versions not stated): gnomAD exomes 0.00010 and 0.00024; TOPMed 0.00011; ExAC 0.00013; gnomAD 0.00013; 1000 Genomes Project 30x 0.00016; ESP Exome Variant Server 0.00017.

Submissions (3):

Labcorp Genetics (formerly Invitae), Labcorp
Classification: Uncertain significance for Hypertrophic cardiomyopathy. Last evaluated: 2025-12-21. Review status: criteria provided, single submitter. Criteria: Invitae Variant Classification Sherloc (09022015). Collection method: clinical testing. Allele origin: germline.
Comment: This sequence change replaces methionine, which is neutral and non-polar, with leucine, which is neutral and non-polar, at codon 1453 of the MYOM1 protein (p.Met1453Leu). This variant is present in population databases (rs181642354, gnomAD 0.02%). This variant has not been reported in the literature in individuals affected with MYOM1-related conditions. ClinVar contains an entry for this variant (Variation ID: 229026). Invitae Evidence Modeling of protein sequence and biophysical properties (such as structural, functional, and spatial information, amino acid conservation, physicochemical variation, residue mobility, and thermodynamic stability) indicates that this missense variant is not expected to disrupt MYOM1 protein function with a negative predictive value of 80%. In summary, the available evidence is currently insufficient to determine the role of this variant in disease. Therefore, it has been classified as a Variant of Uncertain Significance.

Ambry Genetics
Classification: Uncertain significance. Last evaluated: 2024-05-13. Review status: criteria provided, single submitter. Criteria: Ambry Variant Classification Scheme 2023. Collection method: clinical testing. Allele origin: germline.

Laboratory for Molecular Medicine, Mass General Brigham Personalized Medicine
Classification: Uncertain significance. Last evaluated: 2016-01-29. Review status: criteria provided, single submitter. Criteria: LMM Criteria. Collection method: clinical testing. Allele origin: germline. Observed: 1 variant allele.
Comment: Variant classified as Uncertain Significance - Favor Benign. The p.Met1453Leu va riant in MYOM1 has not been previously reported in individuals with cardiomyopat hy, but has been identified in 5/19248 European chromosomes by the Exome Aggrega tion Consortium (ExAC; dbSNP rs181642354). Methi onine (Met) at position 1453 is not conserved in mammals or evolutionarily dista nt species, raising the possibility that a change at this position may be tolera ted. In summary, while the clinical significance of the p.Met1453Leu variant is uncertain, these data suggest that it is more likely to be benign.